The following is an entry in ClinVar:

NM_000186.4(CFH):c.2237-52T>C

Gene: CFH (complement factor H; plus strand). Cytogenetic location: 1q31.3.
Variant type: single nucleotide variant.
Coding change: c.2237-52T>C on transcript NM_000186.4 (MANE Select); 52 bases into the intron before coding-DNA position 2237, T replaced by C.
Molecular consequence: intron variant.
Genome position (GRCh38, 1-based): chr1:196,728,294, T>C. VCF-style: chr1-196728294-T-C. GRCh37 (hg19) VCF-style: chr1-196697424-T-C.
Identifiers: ClinVar variation 4291461 (VCV004291461.1).
Genomic context (GRCh38, chr1:196,728,294, plus strand): 5'-ATTAAGTCATAATTTTACCATGCTAATACTATTTACTTTATAACTATTTTTATGTAATAG[T>C]TGGTTTGATTCCTATCATTTGAATTTTCATAAAAATATATTTATTTTATAGCAATAGATA-3'

ClinVar aggregate classification (germline): Likely benign (1 of 4 stars; one submission).

Conditions:
Atypical hemolytic-uremic syndrome. Identifiers: Orphanet 2134, MedGen C2931788, MONDO:0016244.
Basal laminar drusen. Also called: DRUSEN OF BRUCH MEMBRANE; DRUSEN, CUTICULAR; DRUSEN, EARLY ADULT-ONSET, GROUPED. Identifiers: Orphanet 75376, MedGen C0730295, MONDO:0007472, OMIM 126700.
Factor H deficiency (CFHD). Also called: COMPLEMENT FACTOR H DEFICIENCY; CFH DEFICIENCY. Identifiers: Orphanet 200421, MedGen C0398777, MONDO:0012350, OMIM 609814.
Age related macular degeneration 4. Identifiers: MedGen C1853147, MONDO:0012540, OMIM 610698.

gnomAD v4.1: 119 of 1,162,106 alleles (0.01%); highest among the groups gnomAD compares: East Asian, 0.24%; no homozygotes.

Submission:

Genomenon, Inc
Classification: Likely benign for Basal laminar drusen; Age related macular degeneration 4; Atypical hemolytic-uremic syndrome; Factor H deficiency. Last evaluated: 2025-10-02. Review status: criteria provided, single submitter. Criteria: Genomenon Sequence Variant Interpretation Standards - Updated. Collection method: curation. Allele origin: germline. Affected: no.
Comment: CFH c.2237-52T>C is an intronic variant located in intron 14. This variant has been reported in the published literature (PMID:18421087). This variant’s allele frequency in gnomAD is greater than expected for this disorder. In conclusion, we classify CFH c.2237-52T>C as a likely benign variant.

Literature cited by the submitters: PubMed 18421087.